The following is an entry in ClinVar:

ClinVar aggregate classification (germline): Pathogenic. Review status: reviewed by expert panel (3 of 4 stars). 2 submissions from 2 submitters: Pathogenic (1). 1 of the submissions does not count toward it. Last evaluated 2024-07-08.

Conditions:
Alpha-actinopathy. Also called: Actinopathy. Identifiers: MedGen CN295279, MONDO:0100084.
Congenital myopathy 2c, severe infantile, autosomal dominant (CMYO2C). Identifiers: MedGen C5830333, MONDO:0859523, OMIM 620278.

Submissions (2):

ClinGen Congenital Myopathies Variant Curation Expert Panel, ClinGen
Classification: Pathogenic for Alpha-actinopathy. Last evaluated: 2024-07-08. Review status: reviewed by expert panel. Criteria: ClinGen CongenMyopathy ACMG Specifications ACTA1_AD_ V2.0.0. Collection method: curation. Allele origin: germline. Inheritance: Autosomal dominant inheritance.
Comment: The NM_001100.4:c.1075A>C variant in ACTA1 is a missense variant predicted to cause substitution of isoleucine by leucine at amino acid 359. This variant is absent from gnomAD v4.1.0 (PM2_Supporting). The computational predictor REVEL gives a score of 0.865, which is above the threshold of 0.7, evidence that correlates with impact to ACTA1 function (PP3). ACTA1, in which the variant was identified, is defined by the ClinGen Congenital Myopathies VCEP as a gene that has a low rate of benign missense variation and where pathogenic missense variants are a common mechanism of disease (PP2). This variant has been identified as a de novo occurrence with confirmed parental relationships in 1 individual with autosomal dominant alpha-actinopathy (PS2; PMID: 11333380). At least one patient with this variant displayed nemaline bodies and intranuclear rods, which is highly specific for autosomal dominant alpha-actinopathy (PP4_Moderate, PMID: 11333380). Actin localization in patient muscle biopsies showed abnormal localization of actin indicating that this variant impacts protein function (PMID: 11333380). Actin polymerization in expressed α-skeletal-muscle actins (wild-type and mutants) as 35S-labeled proteins by in vitro transcription translation reactions in reticulocyte lysate showed impaired co-polymerization of I357L actin with wild-type rabbit α-skeletal-muscle actin indicating that this variant impacts protein function (PMID:15226407) (PS3_Moderate). In summary, this variant meets the criteria to be classified as pathogenic for autosomal dominant alpha-actinopathy based on the ACMG/AMP criteria applied, as specified by the ClinGen Congenital Myopathies VCEP: PS2, PS3_Moderate, PP4_Moderate, PM2_Supporting, PP2, PP3. (ClinGen Congenital Myopathies VCEP specifications version 2.0.0; July 8th, 2024)

OMIM
Classification: Pathogenic for CONGENITAL MYOPATHY 2C, SEVERE INFANTILE, AUTOSOMAL DOMINANT. Last evaluated: 2001-06-01. Review status: no assertion criteria provided. Collection method: literature only. Allele origin: germline. Not counted in ClinVar's aggregate classification.

Literature cited by the submitters: PubMed 11333380 (cited by ClinGen Congenital Myopathies Variant Curation Expert Panel, ClinGen and OMIM); PubMed 15226407 (cited by ClinGen Congenital Myopathies Variant Curation Expert Panel, ClinGen).

NM_001100.4(ACTA1):c.1075A>C (p.Ile359Leu)

Gene: ACTA1 (actin alpha 1, skeletal muscle; minus strand). Cytogenetic location: 1q42.13.
Variant type: single nucleotide variant.
Coding change: c.1075A>C on transcript NM_001100.4 (MANE Select); coding-DNA position 1075, A replaced by C.
Protein change: p.Ile359Leu; replaces isoleucine 359 with leucine.
Molecular consequence: missense variant.
Genome position (GRCh38, 1-based): chr1:229,431,558, T>G on the plus strand (A>C on the coding strand, the complement: ACTA1 is on the minus strand). VCF-style: chr1-229431558-T-G. GRCh37 (hg19) VCF-style: chr1-229567305-T-G.
Other names: I357L; NM_001100.4(ACTA1):c.1075A>C; short protein forms I359L.
Identifiers: ClinVar variation 18284 (VCV000018284.4), dbSNP rs121909524, ClinGen allele CA258138.